The following is an entry in ClinVar:

NM_000038.6(APC):c.834+1G>A

Gene: APC (APC regulator of Wnt signaling pathway; plus strand). Cytogenetic location: 5q22.2.
Variant type: single nucleotide variant.
Coding change: c.834+1G>A on transcript NM_000038.6 (MANE Select); the canonical splice donor site of the intron after coding-DNA position 834, G replaced by A.
Molecular consequence: splice donor variant.
Genome position (GRCh38, 1-based): chr5:112,801,384, G>A. VCF-style: chr5-112801384-G-A. GRCh37 (hg19) VCF-style: chr5-112137081-G-A.
Other names: c.834+1G>A (NM_001354896.2, NM_001407454.1, NM_001354903.2 and 12 more transcripts); c.750+1G>A (NM_001354899.2, NM_001407467.1, NM_001407452.1 and 1 more transcripts); c.657+1G>A (NM_001354900.2, NM_001354901.2, NM_001354905.2 and 1 more transcripts); c.-202+1G>A (NM_001407470.1, NM_001407472.1, NM_001354906.2 and 1 more transcripts); c.864+1G>A (NM_001407446.1, NM_001354897.2, NM_001354902.2); c.780+1G>A (NM_001127511.3); c.759+1G>A (NM_001407451.1, NM_001354898.2, NM_001354904.2).
Identifiers: ClinVar variation 439408 (VCV000439408.19), dbSNP rs1554076225, ClinGen allele CA360618290.

ClinVar aggregate classification (germline): Pathogenic/Likely pathogenic. Review status: criteria provided, multiple submitters, no conflicts (2 of 4 stars). 5 submissions from 5 submitters: Pathogenic (3); Likely pathogenic (1). 1 of the submissions does not count toward it. Last evaluated 2026-01-27.

Conditions:
Carcinoma of colon (CRC). Also called: Colonic carcinoma; Colon carcinoma. Identifiers: MedGen C0699790, MONDO:0002032.
Familial adenomatous polyposis 1 (FAP1). Also called: FAMILIAL ADENOMATOUS POLYPOSIS 1, ATTENUATED; POLYPOSIS, ADENOMATOUS INTESTINAL. Identifiers: MedGen C2713442, MONDO:0021056, OMIM 175100. Disease mechanism: loss of function.
Gastric adenocarcinoma and proximal polyposis of the stomach (GAPPS). Also called: POLYPOSIS, GASTRIC; Gastric Adenocarcinoma and Proximal Polyposis of the Stomach (GAPPS); Polyposis, gastric, Dos Santos and de Magalhaes 1980. Identifiers: Orphanet 314022, MedGen C4749917, MONDO:0017790, OMIM 619182.
Desmoid disease, hereditary (DESMD). Also called: FIBROMATOSIS, FAMILIAL INFILTRATIVE. Identifiers: Orphanet 873, MedGen C1851124, OMIM 135290. Disease mechanism: loss of function.
Hepatocellular carcinoma (HCC). Also called: Primary carcinoma of liver; HEPATOMA; LIVER CELL CARCINOMA. Identifiers: Orphanet 88673, MedGen C2239176, MONDO:0007256, OMIM 114550, HP:0001402.
Gastric cancer. Also called: Malignant tumor of stomach; Stomach cancer. Identifiers: MedGen C0024623, MeSH D013274, MONDO:0001056, OMIM 613659, HP:0012126.
Colorectal cancer. Also called: Malignant Colorectal Neoplasm; Colorectal cancer, somatic. Identifiers: MedGen C0346629, MONDO:0005575, OMIM 114500.
Hereditary cancer-predisposing syndrome. Also called: Neoplastic Syndromes, Hereditary; Hereditary Cancer Syndrome; Hereditary neoplastic syndrome; Tumor predisposition. Identifiers: Orphanet 140162, MedGen C0027672, MeSH D009386, MONDO:0015356.

Submissions (5):

Labcorp Genetics (formerly Invitae), Labcorp
Classification: Pathogenic for Familial adenomatous polyposis 1. Last evaluated: 2026-01-27. Review status: criteria provided, single submitter. Criteria: Invitae Variant Classification Sherloc (09022015). Collection method: clinical testing. Allele origin: germline.
Comment: This sequence change affects a donor splice site in intron 8 of the APC gene. It is expected to disrupt RNA splicing. Variants that disrupt the donor or acceptor splice site typically lead to a loss of protein function (PMID: 16199547), and loss-of-function variants in APC are known to be pathogenic (PMID: 17963004, 20685668). This variant is not present in population databases (gnomAD no frequency). Disruption of this splice site has been observed in individuals with familial adenomatous polyposis (PMID: 8381580, 20333795, 20434453, 20685668, 31062380). This variant is also known as c.657+1G>A. ClinVar contains an entry for this variant (Variation ID: 439408). Algorithms developed to predict the effect of sequence changes on RNA splicing suggest that this variant may disrupt the consensus splice site. For these reasons, this variant has been classified as Pathogenic.

Fulgent Genetics
Classification: Likely pathogenic for Colorectal cancer; Hepatocellular carcinoma; Desmoid disease, hereditary; Familial adenomatous polyposis 1; Gastric cancer; Gastric adenocarcinoma and proximal polyposis of the stomach. Last evaluated: 2024-05-03. Review status: criteria provided, single submitter. Criteria: ACMG Guidelines, 2015. Collection method: clinical testing. Allele origin: germline.

Ambry Genetics
Classification: Pathogenic for Hereditary cancer-predisposing syndrome. Last evaluated: 2018-12-22. Review status: criteria provided, single submitter. Criteria: Ambry Variant Classification Scheme 2023. Collection method: clinical testing. Allele origin: germline.
Comment: The c.834+1G>A intronic pathogenic mutation results from a G to A substitution one nucleotide after coding exon 7 of the APC gene. This mutation has been seen in multiple FAP patients and families of various ethnicities and was demonstrated to result in an out-of-frame mRNA transcript (Olschwang S et al. Am. J. Hum. Genet.,1993 Feb;52:273-9; Castellsagu&eacute; E et al. Gastroenterology, 2010 Aug;139:439-47, 447.e; Sheng JQ et al. World J. Gastroenterol., 2010 Mar;16:1522-6; Kim DW et al. Hum. Mutat., 2005 Sep;26:281; Rivera B et al. Ann. Oncol., 2011 Apr;22:903-9; Lagarde A et al. J. Med. Genet., 2010 Oct;47:721-2). In addition to the clinical data presented in the literature, alterations that disrupt the canonical splice site are expected to cause aberrant splicing, resulting in an abnormal protein or a transcript that is subject to nonsense-mediated mRNA decay. As such, this alteration is classified as a disease-causing mutation.

ARUP Laboratories, Molecular Genetics and Genomics, ARUP Laboratories
Classification: Pathogenic. Last evaluated: 2016-10-20. Review status: criteria provided, single submitter. Criteria: ARUP Molecular Germline Variant Investigation Process. Collection method: clinical testing. Allele origin: germline.

Department of Pathology and Laboratory Medicine, Sinai Health System
Classification: Pathogenic for Carcinoma of colon. Review status: no assertion criteria provided. Collection method: clinical testing. Allele origin: unknown. Affected: yes. Study: The Canadian Open Genetics Repository (COGR). Not counted in ClinVar's aggregate classification.
Comment: APC, EXON07, c.834+1G>A, r.spl?, Heterozygous, PathogenicrnThe APC c.834+1G>A variant was identified in 8 of 980 proband chromosomes (frequency: 0.008) from Czech, Slovak, Chinese, Spanish, Korean and Japanese individuals or families with FAP (Stekrova 2007, Sheng 2010, Rivera 2011, Kim 2005, Garcia-Lozano 2005, Enomoto 2000, Miyaki 1994). Intrafamilial phenotypic variability was seen in 1 family with the variant (Garcia-Lozano 2005). The variant was identified in Insight Colon Cancer Gene Variant Database (8x), but was not identified dbSNP, ClinVar, Clinvitae, GeneInsight-COGR, Cosmic, MutDB, UMD-LSDB, Zhejiang Colon Cancer Database, 1000 Genomes Project, the NHLBI GO Exome Sequencing Project or the Exome Aggregation Consortium (August 8th 2016) control databases. The c.834+1G>A variant is predicted to cause abnormal splicing because the nucleotide substitution occurs in the invariant region of the splice consensus sequence. In addition, 5 of 5 in silico or computational prediction software programs (SpliceSiteFinder, MaxEntScan, NNSPLICE, GeneSplicer, HumanSpliceFinder) predict a greater than 10% difference in splicing. In summary, based on the above information this variant meets our laboratoryâ€šÃ„Ã´s criteria to be classified as pathogenic.

Literature cited by the submitters: PubMed 16199547 (cited by Labcorp Genetics (formerly Invitae), Labcorp); PubMed 17963004 (cited by Labcorp Genetics (formerly Invitae), Labcorp); PubMed 20685668 (cited by Labcorp Genetics (formerly Invitae), Labcorp and Ambry Genetics); PubMed 8381580 (cited by Labcorp Genetics (formerly Invitae), Labcorp and Ambry Genetics); PubMed 20333795 (cited by Labcorp Genetics (formerly Invitae), Labcorp and Ambry Genetics); PubMed 20434453 (cited by Labcorp Genetics (formerly Invitae), Labcorp and Ambry Genetics); PubMed 31062380 (cited by Labcorp Genetics (formerly Invitae), Labcorp); PubMed 16088911 (cited by Ambry Genetics); PubMed 20924072 (cited by Ambry Genetics).